The following is an entry in ClinVar:

ClinVar aggregate classification (germline): Uncertain significance (1 of 4 stars; one submission).

Allele frequency attached by ClinVar (database versions not stated): gnomAD exomes below 0.00001 and 0.00001; gnomAD 0.00001.
gnomAD v4.1: 4 of 1,612,178 alleles (0.00025%); highest among the groups gnomAD compares: African/African-American, 0.0013%; no homozygotes.

Submission:

GeneDx
Classification: Uncertain significance. Last evaluated: 2021-04-28. Review status: criteria provided, single submitter. Criteria: GeneDx Variant Classification Process June 2021. Collection method: clinical testing. Allele origin: germline. Affected: yes.
Comment: Not observed at a significant frequency in large population cohorts (Lek et al., 2016); Has not been previously published as pathogenic or benign to our knowledge; In-silico analysis, which includes splice predictors and evolutionary conservation, is inconclusive as to whether the variant alters gene splicing. In the absence of RNA/functional studies, the actual effect of this sequence change is unknown.

NM_018896.5(CACNA1G):c.3999C>T (p.Gly1333=)

Gene: CACNA1G (calcium voltage-gated channel subunit alpha1 G; plus strand). Cytogenetic location: 17q21.33.
Variant type: single nucleotide variant.
Coding change: c.3999C>T on transcript NM_018896.5 (MANE Select); coding-DNA position 3999, C replaced by T.
Protein change: p.Gly1333=; no amino-acid change (glycine 1333 retained).
Molecular consequence: synonymous variant. On other transcripts: non-coding transcript variant (5).
Genome position (GRCh38, 1-based): chr17:50,603,029, C>T. VCF-style: chr17-50603029-C-T. GRCh37 (hg19) VCF-style: chr17-48680390-C-T.
Other names: c.3999C>T, p.Gly1333= (NM_001256324.2, NM_001256325.2, NM_001256326.2 and 16 more transcripts); c.3930C>T, p.Gly1310= (NM_001256332.2, NM_198376.3, NM_198379.3 and 5 more transcripts).
Identifiers: ClinVar variation 1315057 (VCV001315057.2), dbSNP rs1424834209, ClinGen allele CA500999330.